The following is an entry in ClinVar:

NM_138413.4(HOGA1):c.603+1G>T

Gene: HOGA1 (4-hydroxy-2-oxoglutarate aldolase 1; plus strand). Cytogenetic location: 10q24.2.
Variant type: single nucleotide variant.
Coding change: c.603+1G>T on transcript NM_138413.4 (MANE Select); the canonical splice donor site of the intron after coding-DNA position 603, G replaced by T.
Molecular consequence: splice donor variant. On other transcripts: intron variant (1).
Genome position (GRCh38, 1-based): chr10:97,599,815, G>T. VCF-style: chr10-97599815-G-T. GRCh37 (hg19) VCF-style: chr10-99359572-G-T.
Other names: c.212-2042G>T (NM_001134670.2).
Identifiers: ClinVar variation 4069391 (VCV004069391.2).
Genomic context (GRCh38, chr10:97,599,815, plus strand): 5'-GCAGTGGTCACGCTTTCCCAGCACCCGAATATTGTGGGCATGAAGGACAGCGGTGGTGAT[G>T]TGAGTGGCAGCAGCTCCGGGGCTGGGGTCCTCTCCTCCTTTTCTGGGTCCTAGCACTTTT-3'

ClinVar aggregate classification (germline): Likely pathogenic (1 of 4 stars; one submission).

Conditions:
Primary hyperoxaluria type 3. Also called: PH III. Identifiers: Orphanet 416, Orphanet 93600, MedGen C3150878, MONDO:0013327, OMIM 613616. Disease mechanism: loss of function.

Submission:

Natera, Inc.
Classification: Likely pathogenic for Primary hyperoxaluria type III. Last evaluated: 2025-04-11. Review status: criteria provided, single submitter. Criteria: Natera Variant Classification Schema (03/2026). Collection method: clinical testing. Allele origin: germline.
Comment: The c.603+1G>T variant in HOGA1 is a canonical splice donor site variant predicted to affect pre-mRNA splicing, which may result in an abnormal transcript and altered protein product. This variant is expected to result in nonsense mediated decay, truncation, or a dysfunctional protein product. This variant is rare in the general population with a frequency below the threshold expected for the associated phenotype(s). Given the available evidence, this variant is classified as Likely Pathogenic.